The following is an entry in ClinVar:

NM_025144.4(ALPK1):c.1456A>G (p.Thr486Ala)

Gene: ALPK1 (alpha kinase 1; plus strand). Cytogenetic location: 4q25.
Variant type: single nucleotide variant.
Coding change: c.1456A>G on transcript NM_025144.4 (MANE Select); coding-DNA position 1456, A replaced by G.
Protein change: p.Thr486Ala; replaces threonine 486 with alanine.
Molecular consequence: missense variant.
Genome position (GRCh38, 1-based): chr4:112,431,003, A>G. VCF-style: chr4-112431003-A-G. GRCh37 (hg19) VCF-style: chr4-113352159-A-G.
Other names: c.1456A>G, p.Thr486Ala (NM_001102406.2); c.1222A>G, p.Thr408Ala (NM_001253884.2); short protein forms T408A, T486A.
Identifiers: ClinVar variation 2984207 (VCV002984207.3), dbSNP rs1025838384, ClinGen allele CA103763032.

ClinVar aggregate classification (germline): Uncertain significance (1 of 4 stars; one submission).

Allele frequency attached by ClinVar (database versions not stated): gnomAD 0.00001; gnomAD exomes 0.00001; TOPMed 0.00002.
gnomAD v4.1: 6 of 1,613,326 alleles (0.00037%); highest among the groups gnomAD compares: African/African-American, 0.0013%; no homozygotes.

Submission:

Labcorp Genetics (formerly Invitae), Labcorp
Classification: Uncertain significance. Last evaluated: 2025-08-29. Review status: criteria provided, single submitter. Criteria: Invitae Variant Classification Sherloc (09022015). Collection method: clinical testing. Allele origin: germline.
Comment: This sequence change replaces threonine, which is neutral and polar, with alanine, which is neutral and non-polar, at codon 486 of the ALPK1 protein (p.Thr486Ala). This variant is present in population databases (no rsID available, gnomAD 0.002%). This variant has not been reported in the literature in individuals affected with ALPK1-related conditions. ClinVar contains an entry for this variant (Variation ID: 2984207). Invitae Evidence Modeling of protein sequence and biophysical properties (such as structural, functional, and spatial information, amino acid conservation, physicochemical variation, residue mobility, and thermodynamic stability) indicates that this missense variant is not expected to disrupt ALPK1 protein function with a negative predictive value of 80%. In summary, the available evidence is currently insufficient to determine the role of this variant in disease. Therefore, it has been classified as a Variant of Uncertain Significance.